The following is an entry in ClinVar:

NM_016938.5(EFEMP2):c.44G>A (p.Trp15Ter)

Gene: EFEMP2 (EGF-like fibulin extracellular matrix protein 2; minus strand). Cytogenetic location: 11q13.1.
Variant type: single nucleotide variant.
Coding change: c.44G>A on transcript NM_016938.5 (MANE Select); coding-DNA position 44, G replaced by A.
Protein change: p.Trp15Ter; replaces tryptophan 15 with a stop codon.
Molecular consequence: nonsense. On other transcripts: non-coding transcript variant (1).
Genome position (GRCh38, 1-based): chr11:65,872,311, C>T on the plus strand (G>A on the coding strand, the complement: EFEMP2 is on the minus strand). VCF-style: chr11-65872311-C-T. GRCh37 (hg19) VCF-style: chr11-65639782-C-T.
Other names: short protein forms W15*.
Identifiers: ClinVar variation 3662053 (VCV003662053.2).

ClinVar aggregate classification (germline): Pathogenic (1 of 4 stars; one submission).

Conditions:
Cutis laxa, autosomal recessive, type 1B (ARCL1B). Also called: CUTIS LAXA, AUTOSOMAL RECESSIVE, TYPE IB; EFEMP2-Related Cutis Laxa. Identifiers: Orphanet 90349, MedGen C3280798, MONDO:0013754, OMIM 614437. Disease mechanism: loss of function.

Submission:

Labcorp Genetics (formerly Invitae), Labcorp
Classification: Pathogenic for Cutis laxa, autosomal recessive, type 1B. Last evaluated: 2024-08-12. Review status: criteria provided, single submitter. Criteria: Invitae Variant Classification Sherloc (09022015). Collection method: clinical testing. Allele origin: germline.
Comment: This sequence change creates a premature translational stop signal (p.Trp15*) in the EFEMP2 gene. It is expected to result in an absent or disrupted protein product. Loss-of-function variants in EFEMP2 are known to be pathogenic (PMID: 17937443). This variant is not present in population databases (gnomAD no frequency). This variant has not been reported in the literature in individuals affected with EFEMP2-related conditions. For these reasons, this variant has been classified as Pathogenic.

Literature cited by the submitters: PubMed 17937443.